The following is an entry in ClinVar:

NM_001009999.3(KDM1A):c.912A>G (p.Ile304Met)

Gene: KDM1A (lysine demethylase 1A; plus strand). Cytogenetic location: 1p36.12.
Variant type: single nucleotide variant.
Coding change: c.912A>G on transcript NM_001009999.3 (MANE Select); coding-DNA position 912, A replaced by G.
Protein change: p.Ile304Met; replaces isoleucine 304 with methionine.
Molecular consequence: missense variant.
Genome position (GRCh38, 1-based): chr1:23,055,960, A>G. VCF-style: chr1-23055960-A-G. GRCh37 (hg19) VCF-style: chr1-23382453-A-G.
Other names: c.852A>G, p.Ile284Met (NM_001363654.2, NM_001410763.1, NM_015013.4); c.912A>G, p.Ile304Met (NM_001410762.1); short protein forms I284M, I304M.
Identifiers: ClinVar variation 3632430 (VCV003632430.2).
Genomic context (GRCh38, chr1:23,055,960, plus strand): 5'-ACAAAATCTTTTTTTTCATTTTTTGCTTTTAGCTAAAAAGACAGGAAAGGTAATTATTAT[A>G]GGCTCTGGGGTCTCAGGCTTGGCAGCAGCTCGACAGTTACAAAGTTTTGGAATGGATGTC-3'
Protein context (NP_001009999.1, residues 294-314): PTKKTGKVII[Ile304Met]GSGVSGLAAA

ClinVar aggregate classification (germline): Uncertain significance (1 of 4 stars; one submission).

gnomAD v4.1: 1 of 1,612,106 alleles (0.000062%); highest among the groups gnomAD compares: South Asian, 0.0011%; no homozygotes.

Submission:

Labcorp Genetics (formerly Invitae), Labcorp
Classification: Uncertain significance. Last evaluated: 2024-01-17. Review status: criteria provided, single submitter. Criteria: Invitae Variant Classification Sherloc (09022015). Collection method: clinical testing. Allele origin: germline.
Comment: This sequence change replaces isoleucine, which is neutral and non-polar, with methionine, which is neutral and non-polar, at codon 304 of the KDM1A protein (p.Ile304Met). This variant is not present in population databases (gnomAD no frequency). This variant has not been reported in the literature in individuals affected with KDM1A-related conditions. Advanced modeling of protein sequence and biophysical properties (such as structural, functional, and spatial information, amino acid conservation, physicochemical variation, residue mobility, and thermodynamic stability) performed at Invitae indicates that this missense variant is expected to disrupt KDM1A protein function with a positive predictive value of 80%. In summary, the available evidence is currently insufficient to determine the role of this variant in disease. Therefore, it has been classified as a Variant of Uncertain Significance.